The following is an entry in ClinVar:

NM_001211.6(BUB1B):c.1294C>A (p.Leu432Ile)

Gene: BUB1B (BUB1 mitotic checkpoint serine/threonine kinase B; plus strand). Cytogenetic location: 15q15.1.
Variant type: single nucleotide variant.
Coding change: c.1294C>A on transcript NM_001211.6 (MANE Select); coding-DNA position 1294, C replaced by A.
Protein change: p.Leu432Ile; replaces leucine 432 with isoleucine.
Molecular consequence: missense variant.
Genome position (GRCh38, 1-based): chr15:40,199,620, C>A. VCF-style: chr15-40199620-C-A. GRCh37 (hg19) VCF-style: chr15-40491821-C-A.
Other names: short protein forms L432I.
Identifiers: ClinVar variation 2585907 (VCV002585907.2), dbSNP rs2542554722, ClinGen allele CA391688570.

ClinVar aggregate classification (germline): Uncertain significance (1 of 4 stars; one submission).

Conditions:
Inborn genetic diseases. Identifiers: MedGen C0950123, MeSH D030342.

Submission:

Ambry Genetics
Classification: Uncertain significance for Inborn genetic diseases. Last evaluated: 2023-06-24. Review status: criteria provided, single submitter. Criteria: Ambry Variant Classification Scheme 2023. Collection method: clinical testing. Allele origin: germline.
Comment: The p.L432I variant (also known as c.1294C>A), located in coding exon 10 of the BUB1B gene, results from a C to A substitution at nucleotide position 1294. The leucine at codon 432 is replaced by isoleucine, an amino acid with highly similar properties. This amino acid position is conserved. In addition, this alteration is predicted to be tolerated by in silico analysis. Since supporting evidence is limited at this time, the clinical significance of this alteration remains unclear.